The following is an entry in ClinVar:

NM_016222.4(DDX41):c.1252G>A (p.Glu418Lys)

Gene: DDX41 (DEAD-box helicase 41; minus strand). Cytogenetic location: 5q35.3.
Variant type: single nucleotide variant.
Coding change: c.1252G>A on transcript NM_016222.4 (MANE Select); coding-DNA position 1252, G replaced by A.
Protein change: p.Glu418Lys; replaces glutamic acid 418 with lysine.
Molecular consequence: missense variant.
Genome position (GRCh38, 1-based): chr5:177,513,061, C>T on the plus strand (G>A on the coding strand, the complement: DDX41 is on the minus strand). VCF-style: chr5-177513061-C-T. GRCh37 (hg19) VCF-style: chr5-176940062-C-T.
Other names: c.874G>A, p.Glu292Lys (NM_001321732.2, NM_001321830.2); short protein forms E292K, E418K.
Identifiers: ClinVar variation 3500510 (VCV003500510.2).

ClinVar aggregate classification (germline): Uncertain significance. Review status: criteria provided, multiple submitters, no conflicts (2 of 4 stars). 2 submissions from 2 submitters: Uncertain significance (2). Last evaluated 2025-04-11.

Conditions:
Inborn genetic diseases. Identifiers: MedGen C0950123, MeSH D030342.

Submissions (2):

Labcorp Genetics (formerly Invitae), Labcorp
Classification: Uncertain significance. Last evaluated: 2025-04-11. Review status: criteria provided, single submitter. Criteria: Invitae Variant Classification Sherloc (09022015). Collection method: clinical testing. Allele origin: germline.
Comment: This sequence change replaces glutamic acid, which is acidic and polar, with lysine, which is basic and polar, at codon 418 of the DDX41 protein (p.Glu418Lys). This variant is not present in population databases (gnomAD no frequency). This variant has not been reported in the literature in individuals affected with DDX41-related conditions. ClinVar contains an entry for this variant (Variation ID: 3500510). An algorithm developed to predict the effect of missense changes on protein structure and function (PolyPhen-2) suggests that this variant is likely to be tolerated. In summary, the available evidence is currently insufficient to determine the role of this variant in disease. Therefore, it has been classified as a Variant of Uncertain Significance.

Ambry Genetics
Classification: Uncertain significance for Inborn genetic diseases. Last evaluated: 2024-11-20. Review status: criteria provided, single submitter. Criteria: Ambry Variant Classification Scheme 2023. Collection method: clinical testing. Allele origin: germline.
Comment: The p.E418K variant (also known as c.1252G>A), located in coding exon 12 of the DDX41 gene, results from a G to A substitution at nucleotide position 1252. The glutamic acid at codon 418 is replaced by lysine, an amino acid with similar properties. This amino acid position is conserved. In addition, this alteration is predicted to be deleterious by in silico analysis. Based on the available evidence, the clinical significance of this variant remains unclear.